The following is an entry in ClinVar:

NM_001007553.3(CSDE1):c.288T>G (p.Pro96=)

Gene: CSDE1 (cold shock domain containing E1; minus strand). Cytogenetic location: 1p13.2.
Variant type: single nucleotide variant.
Coding change: c.288T>G on transcript NM_001007553.3 (MANE Select); coding-DNA position 288, T replaced by G.
Protein change: p.Pro96=; no amino-acid change (proline 96 retained).
Molecular consequence: synonymous variant.
Genome position (GRCh38, 1-based): chr1:114,737,984, A>C on the plus strand (T>G on the coding strand, the complement: CSDE1 is on the minus strand). VCF-style: chr1-114737984-A-C. GRCh37 (hg19) VCF-style: chr1-115280605-A-C.
Other names: c.426T>G, p.Pro142= (NM_001130523.3, NM_001242891.2); c.288T>G, p.Pro96= (NM_001242892.2, NM_001242893.2, NM_007158.6).
Identifiers: ClinVar variation 3055590 (VCV003055590.2), dbSNP rs61752481, ClinGen allele CA1021349.
Genomic context (GRCh38, chr1:114,737,984, plus strand): 5'-CAGGGCCCTAAAAAAACACAAAGCATCAAAGTCACTAACTTGTCCATTCATTCGTTCTTC[A>C]GGGAGGATTTCTTGTTTTATCTTCACCAGTTTAACAGCAATGGGTTTCCCAGTCCGTCGG-3'
Protein context (NP_001007554.1, residues 86-106): KLVKIKQEIL[Pro96=]EERMNGQVVC

ClinVar aggregate classification (germline): Benign (0 of 4 stars; one submission).

Conditions:
CSDE1-related disorder. Also called: CSDE1-related condition.

Allele frequency attached by ClinVar (database versions not stated): ESP Exome Variant Server 0.04221; 1000 Genomes Project 30x 0.05231; 1000 Genomes Project 0.05351.
gnomAD v4.1: 73,981 of 1,612,768 alleles (4.6%); highest among the groups gnomAD compares: South Asian, 10%; 2,113 homozygotes.

Submission:

PreventionGenetics, part of Exact Sciences
Classification: Benign for CSDE1-related condition. Last evaluated: 2019-11-08. Review status: no assertion criteria provided. Collection method: clinical testing. Allele origin: germline.
Comment: This variant is classified as benign based on ACMG/AMP sequence variant interpretation guidelines (Richards et al. 2015 PMID: 25741868, with internal and published modifications).